The following is an entry in ClinVar:

NM_001111125.3(IQSEC2):c.3016G>T (p.Val1006Phe)

Gene: IQSEC2 (IQ motif and Sec7 domain ArfGEF 2; minus strand). Cytogenetic location: Xp11.22.
Variant type: single nucleotide variant.
Coding change: c.3016G>T on transcript NM_001111125.3 (MANE Select); coding-DNA position 3016, G replaced by T.
Protein change: p.Val1006Phe; replaces valine 1006 with phenylalanine.
Molecular consequence: missense variant.
Genome position (GRCh38, 1-based): chrX:53,239,294, C>A on the plus strand (G>T on the coding strand, the complement: IQSEC2 is on the minus strand). VCF-style: chrX-53239294-C-A. GRCh37 (hg19) VCF-style: chrX-53268476-C-A.
Other names: c.2401G>T, p.Val801Phe (NM_015075.2); short protein forms V1006F, V801F.
Identifiers: ClinVar variation 1059363 (VCV001059363.10), dbSNP rs2147033257, ClinGen allele CA413148117.
Genomic context (GRCh38, chrX:53,239,294, plus strand): 5'-GGAAAGACTGACGGAAACTGTACGTCACCAAGATCTTCTTCTTCTGGAAAATTTTGGTGA[C>A]CTTTGGCAGGGGTGGGAAAAAGACAAGAGGCAGCGCTTTGGGTGGGGGATTTCCACGTGG-3'
Protein context (NP_001104595.1, residues 996-1016): EVFLFNDLLV[Val1006Phe]TKIFQKKKIL

ClinVar aggregate classification (germline): Uncertain significance (1 of 4 stars; one submission).

Conditions:
Intellectual developmental disorder, X-linked 1. Also called: Atkin Flaitz Patil Smith syndrome; Intellectual disability, X-linked 1; MENTAL RETARDATION, X-LINKED 18; MENTAL RETARDATION, X-LINKED 78. Identifiers: Orphanet 777, MedGen C2931498, MONDO:0010656, OMIM 309530.

Submission:

Labcorp Genetics (formerly Invitae), Labcorp
Classification: Uncertain significance for Intellectual developmental disorder, X-linked 1. Last evaluated: 2022-02-10. Review status: criteria provided, single submitter. Criteria: Invitae Variant Classification Sherloc (09022015). Collection method: clinical testing. Allele origin: germline.
Comment: This sequence change replaces valine, which is neutral and non-polar, with phenylalanine, which is neutral and non-polar, at codon 1006 of the IQSEC2 protein (p.Val1006Phe). This variant is not present in population databases (gnomAD no frequency). This variant has not been reported in the literature in individuals affected with IQSEC2-related conditions. ClinVar contains an entry for this variant (Variation ID: 1059363). Algorithms developed to predict the effect of missense changes on protein structure and function are either unavailable or do not agree on the potential impact of this missense change (SIFT: "Deleterious"; PolyPhen-2: "Possibly Damaging"; Align-GVGD: "Class C0"). Algorithms developed to predict the effect of sequence changes on RNA splicing suggest that this variant may disrupt the consensus splice site. In summary, the available evidence is currently insufficient to determine the role of this variant in disease. Therefore, it has been classified as a Variant of Uncertain Significance.